The following is an entry in ClinVar:

NM_014314.4(RIGI):c.1402A>C (p.Ser468Arg)

Gene: RIGI (RNA sensor RIG-I; minus strand). Cytogenetic location: 9p21.1.
Variant type: single nucleotide variant.
Coding change: c.1402A>C on transcript NM_014314.4 (MANE Select); coding-DNA position 1402, A replaced by C.
Protein change: p.Ser468Arg; replaces serine 468 with arginine.
Molecular consequence: missense variant.
Genome position (GRCh38, 1-based): chr9:32,485,253, T>G on the plus strand (A>C on the coding strand, the complement: RIGI is on the minus strand). VCF-style: chr9-32485253-T-G. GRCh37 (hg19) VCF-style: chr9-32485251-T-G.
Other names: c.1396A>C, p.Ser466Arg (NM_001385907.1); c.1402A>C, p.Ser468Arg (NM_001385909.1); c.961A>C, p.Ser321Arg (NM_001385910.1); c.793A>C, p.Ser265Arg (NM_001385912.1); c.1387A>C, p.Ser463Arg (NM_001385913.1); c.958A>C, p.Ser320Arg (NM_001385914.1); short protein forms S320R, S468R, S265R, S463R, S321R, S466R.
Identifiers: ClinVar variation 1939627 (VCV001939627.5), dbSNP rs144232121, ClinGen allele CA5019809.

ClinVar aggregate classification (germline): Uncertain significance (1 of 4 stars; one submission).

Allele frequency attached by ClinVar (database versions not stated): gnomAD exomes 0.00001; ExAC 0.00002; ESP Exome Variant Server 0.00008.
gnomAD v4.1: 20 of 1,602,280 alleles (0.0012%); highest among the groups gnomAD compares: Non-Finnish European, 0.0017%; no homozygotes.

Submission:

Labcorp Genetics (formerly Invitae), Labcorp
Classification: Uncertain significance. Last evaluated: 2025-05-04. Review status: criteria provided, single submitter. Criteria: Invitae Variant Classification Sherloc (09022015). Collection method: clinical testing. Allele origin: germline.
Comment: This sequence change replaces serine, which is neutral and polar, with arginine, which is basic and polar, at codon 468 of the DDX58 protein (p.Ser468Arg). This variant is present in population databases (rs144232121, gnomAD 0.003%). This variant has not been reported in the literature in individuals affected with DDX58-related conditions. ClinVar contains an entry for this variant (Variation ID: 1939627). Invitae Evidence Modeling of protein sequence and biophysical properties (such as structural, functional, and spatial information, amino acid conservation, physicochemical variation, residue mobility, and thermodynamic stability) indicates that this missense variant is not expected to disrupt DDX58 protein function with a negative predictive value of 80%. In summary, the available evidence is currently insufficient to determine the role of this variant in disease. Therefore, it has been classified as a Variant of Uncertain Significance.